The following is an entry in ClinVar:

NM_000179.3(MSH6):c.3549A>T (p.Ile1183=)

Gene: MSH6 (mutS homolog 6; plus strand). Cytogenetic location: 2p16.3.
Variant type: single nucleotide variant.
Coding change: c.3549A>T on transcript NM_000179.3 (MANE Select); coding-DNA position 3549, A replaced by T.
Protein change: p.Ile1183=; no amino-acid change (isoleucine 1183 retained).
Molecular consequence: synonymous variant.
Genome position (GRCh38, 1-based): chr2:47,805,020, A>T. VCF-style: chr2-47805020-A-T. GRCh37 (hg19) VCF-style: chr2-48032159-A-T.
Other names: c.3549A>T (NM_000179.2); c.3159A>T, p.Ile1053= (NM_001281492.2); c.2643A>T, p.Ile881= (NM_001281493.2, NM_001281494.2).
Identifiers: ClinVar variation 1091552 (VCV001091552.11), dbSNP rs1453695821, ClinGen allele CA425997251.

ClinVar aggregate classification (germline): Benign/Likely benign. Review status: criteria provided, multiple submitters, no conflicts (2 of 4 stars). 3 submissions from 3 submitters: Benign (1); Likely benign (2). Last evaluated 2025-05-27.

Conditions:
Hereditary cancer-predisposing syndrome. Also called: Hereditary Cancer Syndrome; Neoplastic Syndromes, Hereditary; Hereditary neoplastic syndrome; Tumor predisposition. Identifiers: Orphanet 140162, MedGen C0027672, MeSH D009386, MONDO:0015356.
Hereditary nonpolyposis colorectal neoplasms. Identifiers: MedGen C0009405, MeSH D003123.
Lynch syndrome 5 (LYNCH5). Also called: Colorectal cancer, hereditary nonpolyposis, type 5; Hereditary non-polyposis colorectal cancer, type 5. Identifiers: Orphanet 144, MedGen C1833477, MONDO:0013710, OMIM 614350. Disease mechanism: loss of function.

Submissions (3):

Labcorp Genetics (formerly Invitae), Labcorp
Classification: Likely benign for Hereditary nonpolyposis colorectal neoplasms. Last evaluated: 2025-05-27. Review status: criteria provided, single submitter. Criteria: Invitae Variant Classification Sherloc (09022015). Collection method: clinical testing. Allele origin: germline.

Myriad Genetics, Inc.
Classification: Benign for Lynch syndrome 5. Last evaluated: 2025-01-07. Review status: criteria provided, single submitter. Criteria: Myriad Autosomal Dominant, Autosomal Recessive and X-Linked Classification Criteria (2023). Collection method: clinical testing. Allele origin: unknown.
Comment: This variant is considered benign. This variant is a silent/synonymous amino acid change and it is not expected to impact splicing.

Ambry Genetics
Classification: Likely benign for Hereditary cancer-predisposing syndrome. Last evaluated: 2024-04-22. Review status: criteria provided, single submitter. Criteria: Ambry Variant Classification Scheme 2023. Collection method: clinical testing. Allele origin: germline.